The following is an entry in ClinVar:

ClinVar aggregate classification (germline): Uncertain significance (1 of 4 stars; one submission).

Allele frequency attached by ClinVar (database versions not stated): gnomAD exomes below 0.00001; TOPMed below 0.00001; gnomAD 0.00001.
gnomAD v4.1: 2 of 1,612,240 alleles (0.00012%); highest among the groups gnomAD compares: Non-Finnish European, 0.00017%; no homozygotes.

Submission:

Ambry Genetics
Classification: Uncertain significance. Last evaluated: 2022-09-20. Review status: criteria provided, single submitter. Criteria: Ambry Variant Classification Scheme 2023. Collection method: clinical testing. Allele origin: germline.
Comment: The p.A255V variant (also known as c.764C>T), located in coding exon 1 of the EGLN2 gene, results from a C to T substitution at nucleotide position 764. The alanine at codon 255 is replaced by valine, an amino acid with similar properties. This amino acid position is conserved. In addition, this alteration is predicted to be tolerated by in silico analysis. Since supporting evidence is limited at this time, the clinical significance of this alteration remains unclear.

NM_080732.4(EGLN2):c.764C>T (p.Ala255Val)

Genes: EGLN2 (egl-9 family hypoxia inducible factor 2; plus strand), RAB4B-EGLN2 (RAB4B-EGLN2 readthrough (NMD candidate); plus strand). Cytogenetic location: 19q13.2.
Variant type: single nucleotide variant.
Coding change: c.764C>T on transcript NM_080732.4 (MANE Select); coding-DNA position 764, C replaced by T.
Protein change: p.Ala255Val; replaces alanine 255 with valine.
Molecular consequence: missense variant. On other transcripts: non-coding transcript variant (1).
Genome position (GRCh38, 1-based): chr19:40,801,336, C>T. VCF-style: chr19-40801336-C-T. GRCh37 (hg19) VCF-style: chr19-41307241-C-T.
Other names: c.764C>T, p.Ala255Val (NM_053046.4); short protein forms A255V.
Identifiers: ClinVar variation 1759969 (VCV001759969.2), dbSNP rs1336162055, ClinGen allele CA405955932.